The following is an entry in ClinVar:

ClinVar aggregate classification (germline): Uncertain significance (1 of 4 stars; one submission).

Conditions:
GROWTH HORMONE DEFICIENCY WITH PITUITARY ANOMALIES. Identifiers: MedGen C2750027, OMIM 182230.
Septo-optic dysplasia sequence (SOD). Also called: Septo-optic dysplasia; DE MORSIER SYNDROME. Identifiers: Orphanet 3157, MedGen C0338503, MONDO:0008428, OMIM 182230, HP:0100842.

Allele frequency attached by ClinVar (database versions not stated): gnomAD exomes below 0.00001; gnomAD 0.00001.
gnomAD v4.1: 2 of 1,614,020 alleles (0.00012%); highest among the groups gnomAD compares: Non-Finnish European, 0.00017%; no homozygotes.

Submission:

Labcorp Genetics (formerly Invitae), Labcorp
Classification: Uncertain significance for GROWTH HORMONE DEFICIENCY WITH PITUITARY ANOMALIES; Septo-optic dysplasia sequence. Last evaluated: 2022-06-24. Review status: criteria provided, single submitter. Criteria: Invitae Variant Classification Sherloc (09022015). Collection method: clinical testing. Allele origin: germline.
Comment: In summary, the available evidence is currently insufficient to determine the role of this variant in disease. Therefore, it has been classified as a Variant of Uncertain Significance. Algorithms developed to predict the effect of missense changes on protein structure and function are either unavailable or do not agree on the potential impact of this missense change (SIFT: "Deleterious"; PolyPhen-2: "Possibly Damaging"; Align-GVGD: "Class C0"). This variant has not been reported in the literature in individuals affected with HESX1-related conditions. This variant is not present in population databases (gnomAD no frequency). This sequence change replaces tyrosine, which is neutral and polar, with aspartic acid, which is acidic and polar, at codon 106 of the HESX1 protein (p.Tyr106Asp).

NM_003865.3(HESX1):c.316T>G (p.Tyr106Asp)

Gene: HESX1 (HESX homeobox 1; minus strand). Cytogenetic location: 3p14.3.
Variant type: single nucleotide variant.
Coding change: c.316T>G on transcript NM_003865.3 (MANE Select); coding-DNA position 316, T replaced by G.
Protein change: p.Tyr106Asp; replaces tyrosine 106 with aspartic acid.
Molecular consequence: missense variant.
Genome position (GRCh38, 1-based): chr3:57,198,794, A>C on the plus strand (T>G on the coding strand, the complement: HESX1 is on the minus strand). VCF-style: chr3-57198794-A-C. GRCh37 (hg19) VCF-style: chr3-57232822-A-C.
Other names: c.316T>G, p.Tyr106Asp (NM_001376058.1, NM_001376059.1, NM_001376060.1 and 1 more transcripts); short protein forms Y106D.
Identifiers: ClinVar variation 2420179 (VCV002420179.6), dbSNP rs200647627, ClinGen allele CA75378673.